The following is an entry in ClinVar:

ClinVar aggregate classification (germline): Uncertain significance (1 of 4 stars; one submission).

Submission:

Labcorp Genetics (formerly Invitae), Labcorp
Classification: Uncertain significance. Last evaluated: 2023-05-10. Review status: criteria provided, single submitter. Criteria: Invitae Variant Classification Sherloc (09022015). Collection method: clinical testing. Allele origin: germline.
Comment: In summary, the available evidence is currently insufficient to determine the role of this variant in disease. Therefore, it has been classified as a Variant of Uncertain Significance. This sequence change replaces arginine, which is basic and polar, with tryptophan, which is neutral and slightly polar, at codon 665 of the ATP2B2 protein (p.Arg665Trp). This variant is not present in population databases (gnomAD no frequency). This variant has not been reported in the literature in individuals affected with ATP2B2-related conditions. Advanced modeling of protein sequence and biophysical properties (such as structural, functional, and spatial information, amino acid conservation, physicochemical variation, residue mobility, and thermodynamic stability) performed at Invitae indicates that this missense variant is expected to disrupt ATP2B2 protein function.

NM_001001331.4(ATP2B2):c.2128C>T (p.Arg710Trp)

Gene: ATP2B2 (ATPase plasma membrane Ca2+ transporting 2; minus strand). Cytogenetic location: 3p25.3.
Variant type: single nucleotide variant.
Coding change: c.2128C>T on transcript NM_001001331.4 (MANE Select); coding-DNA position 2128, C replaced by T.
Protein change: p.Arg710Trp; replaces arginine 710 with tryptophan.
Molecular consequence: missense variant.
Genome position (GRCh38, 1-based): chr3:10,358,699, G>A on the plus strand (C>T on the coding strand, the complement: ATP2B2 is on the minus strand). VCF-style: chr3-10358699-G-A. GRCh37 (hg19) VCF-style: chr3-10400383-G-A.
Other names: c.1993C>T, p.Arg665Trp (NM_001330611.3, NM_001353564.1, NM_001363862.1 and 1 more transcripts); short protein forms R710W, R665W.
Identifiers: ClinVar variation 2810080 (VCV002810080.3), dbSNP rs1410646033, ClinGen allele CA351780229.
Genomic context (GRCh38, chr3:10,358,699, plus strand): 5'-TGGCCTCCCAGCCTCATCCCCTTTCCCTGAGCTCGCTGGCCCTGGGGCCTACCTCTGGCC[G>A]CACCGGGTCCTCGATGCCCACCACGCAGATGCAGGTGAGTTCGTTGAGGATGTCATTCTC-3'
Protein context (NP_001001331.1, residues 700-720): ICVVGIEDPV[Arg710Trp]PEVPEAIRKC